The following is an entry in ClinVar:

ClinVar aggregate classification (germline): Uncertain significance (1 of 4 stars; one submission).

gnomAD v4.1: 1 of 1,610,756 alleles (0.000062%); highest among the groups gnomAD compares: Non-Finnish European, 0.000085%; no homozygotes.

Submission:

Ambry Genetics
Classification: Uncertain significance. Last evaluated: 2026-06-02. Review status: criteria provided, single submitter. Criteria: Ambry Variant Classification Scheme 2023. Collection method: clinical testing. Allele origin: germline.
Comment: The p.P796L variant (also known as c.2387C>T), located in coding exon 11 of the WNK2 gene, results from a C to T substitution at nucleotide position 2387. The proline at codon 796 is replaced by leucine, an amino acid with similar properties. This amino acid position is conserved. In addition, the in silico prediction for this alteration is inconclusive. Based on the available evidence, the clinical significance of this variant remains unclear.

NM_006648.4(WNK2):c.2387C>T (p.Pro796Leu)

Gene: WNK2 (WNK lysine deficient protein kinase 2; plus strand). Cytogenetic location: 9q22.31.
Variant type: single nucleotide variant.
Coding change: c.2387C>T on transcript NM_006648.4 (MANE Select); coding-DNA position 2387, C replaced by T.
Protein change: p.Pro796Leu; replaces proline 796 with leucine.
Molecular consequence: missense variant.
Genome position (GRCh38, 1-based): chr9:93,258,935, C>T. VCF-style: chr9-93258935-C-T. GRCh37 (hg19) VCF-style: chr9-96021217-C-T.
Other names: c.2387C>T, p.Pro796Leu (NM_001282394.3); short protein forms P796L.
Identifiers: ClinVar variation 4866724 (VCV004866724.1).